The following is an entry in ClinVar:

NM_004168.4(SDHA):c.1552-1G>C

Gene: SDHA (succinate dehydrogenase complex flavoprotein subunit A; plus strand). Cytogenetic location: 5p15.33.
Variant type: single nucleotide variant.
Coding change: c.1552-1G>C on transcript NM_004168.4 (MANE Select); the canonical splice acceptor site of the intron before coding-DNA position 1552, G replaced by C.
Molecular consequence: splice acceptor variant. On other transcripts: intron variant (1).
Genome position (GRCh38, 1-based): chr5:250,991, G>C. VCF-style: chr5-250991-G-C. GRCh37 (hg19) VCF-style: chr5-251106-G-C.
Other names: c.1552-3402G>C (NM_001330758.2); c.1408-1G>C (NM_001294332.2).
Identifiers: ClinVar variation 2947765 (VCV002947765.3), dbSNP rs2477454190, ClinGen allele CA358998402.

ClinVar aggregate classification (germline): Likely pathogenic (1 of 4 stars; one submission).

Conditions:
Mitochondrial complex II deficiency, nuclear type 1. Also called: SUCCINATE CoQ REDUCTASE DEFICIENCY. Identifiers: Orphanet 3208, MedGen C5700310, MONDO:0100294, OMIM 252011.
Pheochromocytoma/paraganglioma syndrome 5. Also called: Paragangliomas 5; SDHA-Related Hereditary Paraganglioma-Pheochromocytoma Syndrome. Identifiers: Orphanet 29072, MedGen C3279992, MONDO:0013602, OMIM 614165.

Submission:

Labcorp Genetics (formerly Invitae), Labcorp
Classification: Likely pathogenic for Pheochromocytoma/paraganglioma syndrome 5; Mitochondrial complex II deficiency, nuclear type 1. Last evaluated: 2024-02-22. Review status: criteria provided, single submitter. Criteria: Invitae Variant Classification Sherloc (09022015). Collection method: clinical testing. Allele origin: germline.
Comment: This sequence change affects an acceptor splice site in intron 11 of the SDHA gene. It is expected to disrupt RNA splicing. Variants that disrupt the donor or acceptor splice site typically lead to a loss of protein function (PMID: 16199547), and loss-of-function variants in SDHA are known to be pathogenic (PMID: 22974104, 24781757). This variant is not present in population databases (gnomAD no frequency). This variant has not been reported in the literature in individuals affected with SDHA-related conditions. Algorithms developed to predict the effect of sequence changes on RNA splicing suggest that this variant may disrupt the consensus splice site. In summary, the currently available evidence indicates that the variant is pathogenic, but additional data are needed to prove that conclusively. Therefore, this variant has been classified as Likely Pathogenic.

Literature cited by the submitters: PubMed 16199547; PubMed 22974104; PubMed 24781757.